The following is an entry in ClinVar:

ClinVar aggregate classification (germline): Pathogenic (1 of 4 stars; one submission).

Conditions:
4p partial monosomy syndrome (WHS). Also called: CHROMOSOME 4p16.3 DELETION SYNDROME; PITT SYNDROME; Wolf-Hirschhorn syndrome; WITTWER SYNDROME. Identifiers: Orphanet 280, MedGen C1956097, MONDO:0008684, OMIM 194190.

Submission:

New York Genome Center
Classification: Pathogenic for 4p partial monosomy syndrome. Last evaluated: 2024-11-08. Review status: criteria provided, single submitter. Criteria: NYGC Assertion Criteria 2020. Collection method: clinical testing. Allele origin: de novo. Affected: yes. Observed: 1 variant allele.
Comment: The 6.8 Mb terminal loss on 4p contains ~78 protein-coding genes and completely overlaps the recurrent Wolf-Hirschhorn syndrome (WHS) critical region (4p16.3) and is classified as pathogenic.

GRCh38/hg38 4p16.3-16.1(chr4:1-6781560)x1

Genes: UVSSA (UV stimulated scaffold protein A; plus strand), WFS1 (wolframin ER transmembrane glycoprotein; plus strand), ZBTB49 (zinc finger and BTB domain containing 49; plus strand), ZFYVE28 (zinc finger FYVE-type containing 28; minus strand), ZNF141 (zinc finger protein 141; plus strand) and 398 more. Cytogenetic location: 4p16.3-16.1.
Variant type: copy number loss.
Change: copy number 1 (one copy instead of two) of chr4:1-6,781,560 (6.78 Mb, GRCh38 coordinates, 1-based), cytogenetic band 4p16.3-16.1.
Identifiers: ClinVar variation 4888391 (VCV004888391.1).